The following is an entry in ClinVar:

NM_000038.6(APC):c.4121A>G (p.Glu1374Gly)

Gene: APC (APC regulator of Wnt signaling pathway; plus strand). Cytogenetic location: 5q22.2.
Variant type: single nucleotide variant.
Coding change: c.4121A>G on transcript NM_000038.6 (MANE Select); coding-DNA position 4121, A replaced by G.
Protein change: p.Glu1374Gly; replaces glutamic acid 1374 with glycine.
Molecular consequence: missense variant. On other transcripts: non-coding transcript variant (2).
Genome position (GRCh38, 1-based): chr5:112,839,715, A>G. VCF-style: chr5-112839715-A-G. GRCh37 (hg19) VCF-style: chr5-112175412-A-G.
Other names: c.4121A>G, p.Glu1374Gly (NM_001127510.3, NM_001354895.2, NM_001407450.1); c.4067A>G, p.Glu1356Gly (NM_001127511.3); c.4175A>G, p.Glu1392Gly (NM_001354896.2, NM_001407447.1, NM_001407448.1 and 1 more transcripts); c.4151A>G, p.Glu1384Gly (NM_001354897.2); c.4046A>G, p.Glu1349Gly (NM_001354898.2); c.4037A>G, p.Glu1346Gly (NM_001354899.2); c.3998A>G, p.Glu1333Gly (NM_001354900.2); c.3944A>G, p.Glu1315Gly (NM_001354901.2, NM_001407453.1); and 11 more; short protein forms E1273G, E1346G, E1384G, E1091G, E1245G, E1248G, E1402G, E1214G.
Identifiers: ClinVar variation 2587036 (VCV002587036.2), dbSNP rs2149906983, ClinGen allele CA16030356.

ClinVar aggregate classification (germline): Uncertain significance (1 of 4 stars; one submission).

Conditions:
Hereditary cancer-predisposing syndrome. Also called: Hereditary neoplastic syndrome; Tumor predisposition; Hereditary Cancer Syndrome; Neoplastic Syndromes, Hereditary. Identifiers: Orphanet 140162, MedGen C0027672, MeSH D009386, MONDO:0015356.

Submission:

Ambry Genetics
Classification: Uncertain significance for Hereditary cancer-predisposing syndrome. Last evaluated: 2023-09-01. Review status: criteria provided, single submitter. Criteria: Ambry Variant Classification Scheme 2023. Collection method: clinical testing. Allele origin: germline.
Comment: The p.E1374G variant (also known as c.4121A>G), located in coding exon 15 of the APC gene, results from an A to G substitution at nucleotide position 4121. The glutamic acid at codon 1374 is replaced by glycine, an amino acid with similar properties. This amino acid position is conserved. In addition, in silico predictors for this gene do not accurately predict pathogenicity. Since supporting evidence is limited at this time, the clinical significance of this alteration remains unclear.